The following is an entry in ClinVar:

ClinVar aggregate classification (germline): Benign/Likely benign. Review status: criteria provided, multiple submitters, no conflicts (2 of 4 stars). 5 submissions from 5 submitters: Benign (1); Likely benign (4). Last evaluated 2026-04-01.

Conditions:
Inborn genetic diseases. Identifiers: MedGen C0950123, MeSH D030342.
Developmental and epileptic encephalopathy, 14 (DEE14). Also called: Early infantile epileptic encephalopathy 14. Identifiers: Orphanet 293181, MedGen C3554195, MONDO:0013989, OMIM 614959.
Autosomal dominant nocturnal frontal lobe epilepsy 5. Also called: Epilepsy, nocturnal frontal lobe, 5; KCNT1-Related Epilepsy; CILIARY DYSKINESIA, PRIMARY, 28, WITHOUT SITUS INVERSUS; CILIARY DYSKINESIA, PRIMARY, 28, WITH SITUS INVERSUS. Identifiers: Orphanet 98784, MedGen C3554306, MONDO:0014002, OMIM 615005.

Allele frequency attached by ClinVar (database versions not stated): gnomAD exomes 0.00002 and 0.00008; gnomAD 0.00004; TOPMed 0.00006; ExAC 0.00019.
gnomAD v4.1: 41 of 1,568,368 alleles (0.0026%); highest among the groups gnomAD compares: Middle Eastern, 0.033%; no homozygotes.

Submissions (5):

CeGaT Center for Human Genetics Tuebingen
Classification: Likely benign. Last evaluated: 2026-04-01. Review status: criteria provided, single submitter. Criteria: CeGaT Center For Human Genetics Tuebingen Variant Classification Criteria Version 2. Collection method: clinical testing. Allele origin: germline. Affected: yes. Observed: 1 variant allele.
Comment: KCNT1: BP4, BP7

Labcorp Genetics (formerly Invitae), Labcorp
Classification: Benign for Autosomal dominant nocturnal frontal lobe epilepsy 5; Developmental and epileptic encephalopathy, 14. Last evaluated: 2025-12-19. Review status: criteria provided, single submitter. Criteria: Invitae Variant Classification Sherloc (09022015). Collection method: clinical testing. Allele origin: germline.

Blueprint Genetics
Classification: Likely benign. Last evaluated: 2024-06-14. Review status: criteria provided, single submitter. Criteria: ACMG Guidelines, 2015. Collection method: clinical testing. Allele origin: germline.

GeneDx
Classification: Likely benign. Last evaluated: 2020-02-14. Review status: criteria provided, single submitter. Criteria: GeneDx Variant Classification Process June 2021. Collection method: clinical testing. Allele origin: germline. Affected: yes.

Ambry Genetics
Classification: Likely benign for Inborn genetic diseases. Last evaluated: 2018-06-05. Review status: criteria provided, single submitter. Criteria: Ambry Variant Classification Scheme 2023. Collection method: clinical testing. Allele origin: germline.

NM_020822.3(KCNT1):c.1776C>T (p.Gly592=)

Gene: KCNT1 (potassium sodium-activated channel subfamily T member 1; plus strand). Cytogenetic location: 9q34.3.
Variant type: single nucleotide variant.
Coding change: c.1776C>T on transcript NM_020822.3 (MANE Select); coding-DNA position 1776, C replaced by T.
Protein change: p.Gly592=; no amino-acid change (glycine 592 retained).
Molecular consequence: synonymous variant.
Genome position (GRCh38, 1-based): chr9:135,770,863, C>T. VCF-style: chr9-135770863-C-T. GRCh37 (hg19) VCF-style: chr9-138662709-C-T.
Other names: c.1641C>T, p.Gly547= (NM_001272003.2).
Identifiers: ClinVar variation 374745 (VCV000374745.23), dbSNP rs769406687, ClinGen allele CA5327076.
Genomic context (GRCh38, chr9:135,770,863, plus strand): 5'-GCGGGACAGGGCGGGTGAGCGGCGGTACCTGAAGTTGCCGGTGCCTCTGCCCAGGTATGG[C>T]GTGTGCCTCATCGGGCTGAAGCGGGAGGACAACAAGAGCATCCTGCTGAACCCGGGGCCC-3'
Protein context (NP_065873.2, residues 582-602): YAAFHAHKKY[Gly592=]VCLIGLKRED